The following is an entry in ClinVar:

ClinVar aggregate classification (germline): Likely benign (1 of 4 stars; one submission).

Conditions:
Lysinuric protein intolerance (LPI). Identifiers: Orphanet 470, MedGen C0268647, MONDO:0009109, OMIM 222700.

Allele frequency attached by ClinVar (database versions not stated): gnomAD exomes 0.00010 and 0.00022; 1000 Genomes Project 0.00020; 1000 Genomes Project 30x 0.00031; ExAC 0.00072; gnomAD 0.00097 and 0.00103; TOPMed 0.00132.

Submission:

Illumina Laboratory Services, Illumina
Classification: Likely benign for Lysinuric protein intolerance. Last evaluated: 2018-01-13. Review status: criteria provided, single submitter. Criteria: ICSL Variant Classification Criteria 13 December 2019. Collection method: clinical testing. Allele origin: germline.
Comment: This variant was observed in the ICSL laboratory as part of a predisposition screen in an ostensibly healthy population. It had not been previously curated by ICSL or reported in the Human Gene Mutation Database (HGMD: prior to June 1st, 2018), and was therefore a candidate for classification through an automated scoring system. Utilizing variant allele frequency, disease prevalence and penetrance estimates, and inheritance mode, an automated score was calculated to assess if this variant is too frequent to cause the disease. Based on the score and internal cut-off values, a variant classified as likely benign is not then subjected to further curation. The score for this variant resulted in a classification of likely benign for this disease.

NM_003982.4(SLC7A7):c.*141T>G

Gene: SLC7A7 (solute carrier family 7 member 7; minus strand). Cytogenetic location: 14q11.2.
Variant type: single nucleotide variant.
Coding change: c.*141T>G on transcript NM_003982.4 (MANE Select); 141 bases downstream of the stop codon, T replaced by G.
Molecular consequence: 3 prime UTR variant.
Genome position (GRCh38, 1-based): chr14:22,773,469, A>C on the plus strand (T>G on the coding strand, the complement: SLC7A7 is on the minus strand). VCF-style: chr14-22773469-A-C. GRCh37 (hg19) VCF-style: chr14-23242678-A-C.
Other names: c.*141T>G (NM_001126105.3, NM_001126106.4).
Identifiers: ClinVar variation 312807 (VCV000312807.5), dbSNP rs545489205, ClinGen allele CA7104337.